The following is an entry in ClinVar:

NM_025144.4(ALPK1):c.3034+5G>A

Gene: ALPK1 (alpha kinase 1; plus strand). Cytogenetic location: 4q25.
Variant type: single nucleotide variant.
Coding change: c.3034+5G>A on transcript NM_025144.4 (MANE Select); 5 bases into the intron after coding-DNA position 3034, G replaced by A.
Molecular consequence: intron variant.
Genome position (GRCh38, 1-based): chr4:112,432,586, G>A. VCF-style: chr4-112432586-G-A. GRCh37 (hg19) VCF-style: chr4-113353742-G-A.
Other names: c.3034+5G>A (NM_001102406.2); c.2800+5G>A (NM_001253884.2).
Identifiers: ClinVar variation 3016324 (VCV003016324.3), dbSNP rs767035700, ClinGen allele CA3047051.
Genomic context (GRCh38, chr4:112,432,586, plus strand): 5'-TCAGAGACTAGAGAATACGGGGGTTTTTAAGCCCAGTCAACTCCACCGAGCACATAGTAA[G>A]TACAATCTTTTCAATAGTTCCCCCCTCAGGAAGCAGCTGTGTTGGGGCACTCTGAAGAGC-3'

ClinVar aggregate classification (germline): Uncertain significance (1 of 4 stars; one submission).

Allele frequency attached by ClinVar (database versions not stated): ExAC 0.00001.
gnomAD v4.1: 6 of 1,606,854 alleles (0.00037%); highest among the groups gnomAD compares: Admixed American, 0.0034%; no homozygotes.

Submission:

Labcorp Genetics (formerly Invitae), Labcorp
Classification: Uncertain significance. Last evaluated: 2023-07-14. Review status: criteria provided, single submitter. Criteria: Invitae Variant Classification Sherloc (09022015). Collection method: clinical testing. Allele origin: germline.
Comment: This variant has not been reported in the literature in individuals affected with ALPK1-related conditions. This variant is present in population databases (rs767035700, gnomAD 0.006%). This sequence change falls in intron 11 of the ALPK1 gene. It does not directly change the encoded amino acid sequence of the ALPK1 protein. It affects a nucleotide within the consensus splice site. Variants that disrupt the consensus splice site are a relatively common cause of aberrant splicing (PMID: 17576681, 9536098). Algorithms developed to predict the effect of sequence changes on RNA splicing suggest that this variant may disrupt the consensus splice site. In summary, the available evidence is currently insufficient to determine the role of this variant in disease. Therefore, it has been classified as a Variant of Uncertain Significance.

Literature cited by the submitters: PubMed 17576681; PubMed 9536098.